The following is an entry in ClinVar:

ClinVar aggregate classification (germline): Benign/Likely benign. Review status: criteria provided, multiple submitters, no conflicts (2 of 4 stars). 4 submissions from 4 submitters: Benign (1); Likely benign (3). Last evaluated 2024-09-24.

Conditions:
Hereditary cancer-predisposing syndrome. Also called: Neoplastic Syndromes, Hereditary; Hereditary neoplastic syndrome; Hereditary Cancer Syndrome; Tumor predisposition. Identifiers: Orphanet 140162, MedGen C0027672, MeSH D009386, MONDO:0015356.
Hereditary diffuse gastric adenocarcinoma (HDGC). Also called: DIFFUSE GASTRIC AND LOBULAR BREAST CANCER SYNDROME. Identifiers: Orphanet 26106, MedGen C1708349, MONDO:0007648, OMIM 137215.

Submissions (4):

Myriad Genetics, Inc.
Classification: Benign for Hereditary diffuse gastric adenocarcinoma. Last evaluated: 2024-09-24. Review status: criteria provided, single submitter. Criteria: Myriad Autosomal Dominant, Autosomal Recessive and X-Linked Classification Criteria (2023). Collection method: clinical testing. Allele origin: unknown.
Comment: This variant is considered benign. This variant is a silent/synonymous amino acid change and it is not expected to impact splicing.

Labcorp Genetics (formerly Invitae), Labcorp
Classification: Likely benign for Hereditary diffuse gastric adenocarcinoma. Last evaluated: 2024-04-02. Review status: criteria provided, single submitter. Criteria: Invitae Variant Classification Sherloc (09022015). Collection method: clinical testing. Allele origin: germline.

Color Diagnostics, LLC DBA Color Health
Classification: Likely benign for Hereditary cancer-predisposing syndrome. Last evaluated: 2021-10-26. Review status: criteria provided, single submitter. Criteria: ACMG Guidelines, 2015. Collection method: clinical testing. Allele origin: germline.

Ambry Genetics
Classification: Likely benign for Hereditary cancer-predisposing syndrome. Last evaluated: 2020-11-12. Review status: criteria provided, single submitter. Criteria: Ambry Variant Classification Scheme 2023. Collection method: clinical testing. Allele origin: germline.

NM_004360.5(CDH1):c.2562C>T (p.Asp854=)

Gene: CDH1 (cadherin 1; plus strand). Cytogenetic location: 16q22.1.
Variant type: single nucleotide variant.
Coding change: c.2562C>T on transcript NM_004360.5 (MANE Select); coding-DNA position 2562, C replaced by T.
Protein change: p.Asp854=; no amino-acid change (aspartic acid 854 retained).
Molecular consequence: synonymous variant.
Genome position (GRCh38, 1-based): chr16:68,833,412, C>T. VCF-style: chr16-68833412-C-T. GRCh37 (hg19) VCF-style: chr16-68867315-C-T.
Other names: c.2379C>T, p.Asp793= (NM_001317184.2); c.1014C>T, p.Asp338= (NM_001317185.2); c.597C>T, p.Asp199= (NM_001317186.2).
Identifiers: ClinVar variation 1083238 (VCV001083238.14), dbSNP rs1172127740, ClinGen allele CA496393163.